The following is an entry in ClinVar:

NM_000535.7(PMS2):c.9A>G (p.Arg3=)

Gene: PMS2 (PMS1 homolog 2, mismatch repair system component; minus strand). Cytogenetic location: 7p22.1.
Variant type: single nucleotide variant.
Coding change: c.9A>G on transcript NM_000535.7 (MANE Select); coding-DNA position 9, A replaced by G.
Protein change: p.Arg3=; no amino-acid change (arginine 3 retained).
Molecular consequence: synonymous variant. On other transcripts: 5 prime UTR variant (11), non-coding transcript variant (1).
Genome position (GRCh38, 1-based): chr7:6,009,011, T>C on the plus strand (A>G on the coding strand, the complement: PMS2 is on the minus strand). VCF-style: chr7-6009011-T-C. GRCh37 (hg19) VCF-style: chr7-6048642-T-C.
Other names: c.-392A>G (NM_001322003.2, NM_001322013.2); c.-257A>G (NM_001322004.2, NM_001322010.2); c.-587A>G (NM_001322005.2); c.9A>G, p.Arg3= (NM_001322006.2, NM_001322014.2); c.-207A>G (NM_001322007.2); c.-67A>G (NM_001322008.2); c.-582A>G (NM_001322009.2); c.-876A>G (NM_001322011.2); and 2 more.
Identifiers: ClinVar variation 486039 (VCV000486039.16), dbSNP rs1554309048, ClinGen allele CA453650903.

ClinVar aggregate classification (germline): Benign/Likely benign. Review status: criteria provided, multiple submitters, no conflicts (2 of 4 stars). 4 submissions from 4 submitters: Benign (1); Likely benign (3). Last evaluated 2025-01-23.

Conditions:
Hereditary nonpolyposis colorectal neoplasms. Identifiers: MedGen C0009405, MeSH D003123.
Hereditary cancer-predisposing syndrome. Also called: Tumor predisposition; Hereditary Cancer Syndrome; Hereditary neoplastic syndrome; Neoplastic Syndromes, Hereditary. Identifiers: Orphanet 140162, MedGen C0027672, MeSH D009386, MONDO:0015356.
Lynch syndrome 4 (LYNCH4). Also called: Colorectal cancer, hereditary nonpolyposis, type 4; Hereditary non-polyposis colorectal cancer, type 4. Identifiers: Orphanet 144, MedGen C1838333, MONDO:0013699, OMIM 614337. Disease mechanism: loss of function.

Allele frequency attached by ClinVar (database versions not stated): gnomAD 0.00001; TOPMed 0.00001.
gnomAD v4.1: 1 of 1,612,446 alleles (0.000062%); highest among the groups gnomAD compares: Non-Finnish European, 0.000085%; no homozygotes.

Submissions (4):

Myriad Genetics, Inc.
Classification: Benign for Lynch syndrome 4. Last evaluated: 2025-01-23. Review status: criteria provided, single submitter. Criteria: Myriad Autosomal Dominant, Autosomal Recessive and X-Linked Classification Criteria (2023). Collection method: clinical testing. Allele origin: unknown.
Comment: This variant is considered benign. This variant is a silent/synonymous amino acid change and it is not expected to impact splicing.

Labcorp Genetics (formerly Invitae), Labcorp
Classification: Likely benign for Hereditary nonpolyposis colorectal neoplasms. Last evaluated: 2024-05-07. Review status: criteria provided, single submitter. Criteria: Invitae Variant Classification Sherloc (09022015). Collection method: clinical testing. Allele origin: germline.

Color Diagnostics, LLC DBA Color Health
Classification: Likely benign for Hereditary cancer-predisposing syndrome. Last evaluated: 2019-05-22. Review status: criteria provided, single submitter. Criteria: ACMG Guidelines, 2015. Collection method: clinical testing. Allele origin: germline.

Ambry Genetics
Classification: Likely benign for Hereditary cancer-predisposing syndrome. Last evaluated: 2017-05-25. Review status: criteria provided, single submitter. Criteria: Ambry Variant Classification Scheme 2023. Collection method: clinical testing. Allele origin: germline.